The following is an entry in ClinVar:

ClinVar aggregate classification (germline): Uncertain significance. Review status: criteria provided, multiple submitters, no conflicts (2 of 4 stars). 2 submissions from 2 submitters: Uncertain significance (2). Last evaluated 2024-09-03.

Conditions:
Creatine transporter deficiency (CCDS1). Also called: Mental retardation , X-linked with seizures, short stature and midface hypoplasia; Mental retardation , X-linked, with creatine transport deficiency; X-linked creatine transporter deficiency; X-linked creatine deficiency syndrome; SLC6A8-Related Creatine Transporter Deficiency; CREATINE TRANSPORTER DEFECT. Identifiers: Orphanet 52503, MedGen C1845862, MONDO:0010305, OMIM 300352.

Submissions (2):

GeneDx
Classification: Uncertain significance. Last evaluated: 2024-09-03. Review status: criteria provided, single submitter. Criteria: GeneDx Variant Classification Process June 2021. Collection method: clinical testing. Allele origin: germline. Affected: yes.
Comment: Not observed at significant frequency in large population cohorts (gnomAD); In silico analysis supports that this missense variant has a deleterious effect on protein structure/function; Has not been previously published as pathogenic or benign to our knowledge

Labcorp Genetics (formerly Invitae), Labcorp
Classification: Uncertain significance for Creatine transporter deficiency. Last evaluated: 2024-02-24. Review status: criteria provided, single submitter. Criteria: Invitae Variant Classification Sherloc (09022015). Collection method: clinical testing. Allele origin: germline.
Comment: This sequence change replaces alanine, which is neutral and non-polar, with threonine, which is neutral and polar, at codon 500 of the SLC6A8 protein (p.Ala500Thr). This variant is not present in population databases (gnomAD no frequency). This variant has not been reported in the literature in individuals affected with SLC6A8-related conditions. ClinVar contains an entry for this variant (Variation ID: 1499840). An algorithm developed to predict the effect of missense changes on protein structure and function (PolyPhen-2) suggests that this variant is likely to be disruptive. In summary, the available evidence is currently insufficient to determine the role of this variant in disease. Therefore, it has been classified as a Variant of Uncertain Significance.

NM_005629.4(SLC6A8):c.1498G>A (p.Ala500Thr)

Gene: SLC6A8 (solute carrier family 6 member 8; plus strand). Cytogenetic location: Xq28.
Variant type: single nucleotide variant.
Coding change: c.1498G>A on transcript NM_005629.4 (MANE Select); coding-DNA position 1498, G replaced by A.
Protein change: p.Ala500Thr; replaces alanine 500 with threonine.
Molecular consequence: missense variant.
Genome position (GRCh38, 1-based): chrX:153,694,535, G>A. VCF-style: chrX-153694535-G-A. GRCh37 (hg19) VCF-style: chrX-152959990-G-A.
Other names: c.1468G>A, p.Ala490Thr (NM_001142805.2); c.1153G>A, p.Ala385Thr (NM_001142806.1); c.1498G>A (NM_005629.3); short protein forms A385T, A490T, A500T.
Identifiers: ClinVar variation 1499840 (VCV001499840.6), dbSNP rs2148364400, ClinGen allele CA415088062.